The following is an entry in ClinVar:

NM_033022.4(RPS24):c.47G>A (p.Arg16Gln)

Gene: RPS24 (ribosomal protein S24; plus strand). Cytogenetic location: 10q22.3.
Variant type: single nucleotide variant.
Coding change: c.47G>A on transcript NM_033022.4 (MANE Select); coding-DNA position 47, G replaced by A.
Protein change: p.Arg16Gln; replaces arginine 16 with glutamine.
Molecular consequence: missense variant.
Genome position (GRCh38, 1-based): chr10:78,035,395, G>A. VCF-style: chr10-78035395-G-A. GRCh37 (hg19) VCF-style: chr10-79795153-G-A.
Other names: c.47G>A, p.Arg16Gln (NM_001026.5, NM_001142282.2, NM_001142283.2 and 2 more transcripts); short protein forms R16Q.
Identifiers: ClinVar variation 4805039 (VCV004805039.1).
Genomic context (GRCh38, chr10:78,035,395, plus strand): 5'-AGTGTTTATGTTTTCAGAACGACACCGTAACTATCCGCACTAGAAAGTTCATGACCAACC[G>A]ACTACTTCAGAGGAAACAAATGGTAAGGAAGGGCACATCAATCTTTGCTTAATTGTCCTT-3'
Protein context (NP_148982.1, residues 6-26): TIRTRKFMTN[Arg16Gln]LLQRKQMVID

ClinVar aggregate classification (germline): Uncertain significance (1 of 4 stars; one submission).

Conditions:
Diamond-Blackfan anemia. Also called: Blackfan Diamond syndrome; Aregenerative anemia chronic congenital; Red cell aplasia, pure hereditary; Congenital hypoplastic anemia; Aase syndrome. Identifiers: Orphanet 124, MedGen C1260899, MeSH D029503, MONDO:0015253, HP:0004810.

gnomAD v4.1: 10 of 1,614,138 alleles (0.00062%); highest among the groups gnomAD compares: South Asian, 0.0022%; no homozygotes.

Submission:

Labcorp Genetics (formerly Invitae), Labcorp
Classification: Uncertain significance for Diamond-Blackfan anemia. Last evaluated: 2025-08-10. Review status: criteria provided, single submitter. Criteria: Invitae Variant Classification Sherloc (09022015). Collection method: clinical testing. Allele origin: germline.
Comment: This sequence change replaces arginine, which is basic and polar, with glutamine, which is neutral and polar, at codon 16 of the RPS24 protein (p.Arg16Gln). This variant is present in population databases (rs199524789, gnomAD 0.0009%). This variant has not been reported in the literature in individuals affected with RPS24-related conditions. An algorithm developed to predict the effect of missense changes on protein structure and function (PolyPhen-2) suggests that this variant is likely to be tolerated. In summary, the available evidence is currently insufficient to determine the role of this variant in disease. Therefore, it has been classified as a Variant of Uncertain Significance.